The following is an entry in ClinVar:

ClinVar aggregate classification (germline): Uncertain significance. Review status: criteria provided, multiple submitters, no conflicts (2 of 4 stars). 2 submissions from 2 submitters: Uncertain significance (2). Last evaluated 2025-05-11.

Conditions:
Inborn genetic diseases. Identifiers: MedGen C0950123, MeSH D030342.
Baller-Gerold syndrome (BGS). Also called: CRANIOSYNOSTOSIS WITH RADIAL DEFECTS. Identifiers: Orphanet 1225, MedGen C0265308, MONDO:0009039, OMIM 218600.

Submissions (2):

Ambry Genetics
Classification: Uncertain significance for Inborn genetic diseases. Last evaluated: 2025-05-11. Review status: criteria provided, single submitter. Criteria: Ambry Variant Classification Scheme 2023. Collection method: clinical testing. Allele origin: germline.
Comment: The p.A743G variant (also known as c.2228C>G), located in coding exon 14 of the RECQL4 gene, results from a C to G substitution at nucleotide position 2228. The alanine at codon 743 is replaced by glycine, an amino acid with similar properties. This amino acid position is conserved. In addition, the in silico prediction for this alteration is inconclusive. Based on the available evidence, the clinical significance of this variant remains unclear.

Labcorp Genetics (formerly Invitae), Labcorp
Classification: Uncertain significance for Baller-Gerold syndrome. Last evaluated: 2022-08-10. Review status: criteria provided, single submitter. Criteria: Invitae Variant Classification Sherloc (09022015). Collection method: clinical testing. Allele origin: germline.
Comment: This sequence change replaces alanine, which is neutral and non-polar, with glycine, which is neutral and non-polar, at codon 743 of the RECQL4 protein (p.Ala743Gly). This variant is not present in population databases (gnomAD no frequency). In summary, the available evidence is currently insufficient to determine the role of this variant in disease. Therefore, it has been classified as a Variant of Uncertain Significance. Experimental studies and prediction algorithms are not available or were not evaluated, and the functional significance of this variant is currently unknown. ClinVar contains an entry for this variant (Variation ID: 1055875). This variant has not been reported in the literature in individuals affected with RECQL4-related conditions.

NM_004260.4(RECQL4):c.2228C>G (p.Ala743Gly)

Gene: RECQL4 (RecQ like helicase 4; minus strand). Cytogenetic location: 8q24.3.
Variant type: single nucleotide variant.
Coding change: c.2228C>G on transcript NM_004260.4 (MANE Select); coding-DNA position 2228, C replaced by G.
Protein change: p.Ala743Gly; replaces alanine 743 with glycine.
Molecular consequence: missense variant.
Genome position (GRCh38, 1-based): chr8:144,513,453, G>C on the plus strand (C>G on the coding strand, the complement: RECQL4 is on the minus strand). VCF-style: chr8-144513453-G-C. GRCh37 (hg19) VCF-style: chr8-145738837-G-C.
Other names: c.2228C>G (NM_004260.3); short protein forms A743G.
Identifiers: ClinVar variation 1055875 (VCV001055875.6), dbSNP rs781675349, ClinGen allele CA372678523.